The following is an entry in ClinVar:

ClinVar aggregate classification (germline): Conflicting classifications of pathogenicity. Review status: criteria provided, conflicting classifications (1 of 4 stars). 2 submissions from 2 submitters: Uncertain significance (1); Likely benign (1). Last evaluated 2023-03-23.

Conditions:
Hereditary cancer-predisposing syndrome. Also called: Tumor predisposition; Neoplastic Syndromes, Hereditary; Hereditary Cancer Syndrome; Hereditary neoplastic syndrome. Identifiers: Orphanet 140162, MedGen C0027672, MeSH D009386, MONDO:0015356.
Hereditary breast ovarian cancer syndrome. Also called: Hereditary breast and ovarian cancer syndrome (HBOC); Breast and ovarian cancer; BRCA1- and BRCA2-Associated Hereditary Breast and Ovarian Cancer; Hereditary breast and ovarian cancer; Hereditary breast and ovarian cancer syndrome; Hereditary breast and/or ovarian cancer syndrome. Identifiers: Orphanet 145, MedGen C0677776, MeSH D061325, MONDO:0003582. Disease mechanism: loss of function.

Submissions (2):

University of Washington Department of Laboratory Medicine, University of Washington
Classification: Likely benign for Hereditary cancer-predisposing syndrome. Last evaluated: 2023-03-23. Review status: criteria provided, single submitter. Criteria: Dines et al. (Genet Med. 2020). Collection method: curation. Allele origin: germline.
Comment: Missense variant in a coldspot region where missense variants are very unlikely to be pathogenic (PMID:31911673).

BRCA2 exon 10 coldspot. Reclassification based on statistical prior probability.

Labcorp Genetics (formerly Invitae), Labcorp
Classification: Uncertain significance for Hereditary breast ovarian cancer syndrome. Last evaluated: 2021-04-09. Review status: criteria provided, single submitter. Criteria: Invitae Variant Classification Sherloc (09022015). Collection method: clinical testing. Allele origin: germline.
Comment: In summary, the available evidence is currently insufficient to determine the role of this variant in disease. Therefore, it has been classified as a Variant of Uncertain Significance. Advanced modeling of protein sequence and biophysical properties (such as structural, functional, and spatial information, amino acid conservation, physicochemical variation, residue mobility, and thermodynamic stability) performed at Invitae indicates that this missense variant is not expected to disrupt BRCA2 protein function. This variant has not been reported in the literature in individuals with BRCA2-related conditions. This variant is not present in population databases (ExAC no frequency). This sequence change replaces arginine with leucine at codon 448 of the BRCA2 protein (p.Arg448Leu). The arginine residue is weakly conserved and there is a moderate physicochemical difference between arginine and leucine.

NM_000059.4(BRCA2):c.1343G>T (p.Arg448Leu)

Gene: BRCA2 (BRCA2 DNA repair associated; plus strand). Cytogenetic location: 13q13.1.
Variant type: single nucleotide variant.
Coding change: c.1343G>T on transcript NM_000059.4 (MANE Select); coding-DNA position 1343, G replaced by T.
Protein change: p.Arg448Leu; replaces arginine 448 with leucine.
Molecular consequence: missense variant.
Genome position (GRCh38, 1-based): chr13:32,332,821, G>T. VCF-style: chr13-32332821-G-T. GRCh37 (hg19) VCF-style: chr13-32906958-G-T.
Other names: short protein forms R448L.
Identifiers: ClinVar variation 1382564 (VCV001382564.9), dbSNP rs80358423, ClinGen allele CA387762742.